The following is an entry in ClinVar:

NM_000059.4(BRCA2):c.5873G>A (p.Cys1958Tyr)

Gene: BRCA2 (BRCA2 DNA repair associated; plus strand). Cytogenetic location: 13q13.1.
Variant type: single nucleotide variant.
Coding change: c.5873G>A on transcript NM_000059.4 (MANE Select); coding-DNA position 5873, G replaced by A.
Protein change: p.Cys1958Tyr; replaces cysteine 1958 with tyrosine.
Molecular consequence: missense variant.
Genome position (GRCh38, 1-based): chr13:32,340,228, G>A. VCF-style: chr13-32340228-G-A. GRCh37 (hg19) VCF-style: chr13-32914365-G-A.
Other names: short protein forms C1958Y.
Identifiers: ClinVar variation 483119 (VCV000483119.8), dbSNP rs1168669263, ClinGen allele CA387787440.

ClinVar aggregate classification (germline): Conflicting classifications of pathogenicity. Review status: criteria provided, conflicting classifications (1 of 4 stars). 3 submissions from 3 submitters: Uncertain significance (2); Likely benign (1). Last evaluated 2026-03-03.

Conditions:
Hereditary cancer-predisposing syndrome. Also called: Tumor predisposition; Hereditary Cancer Syndrome; Hereditary neoplastic syndrome; Neoplastic Syndromes, Hereditary. Identifiers: Orphanet 140162, MedGen C0027672, MeSH D009386, MONDO:0015356.

Allele frequency attached by ClinVar (database versions not stated): gnomAD exomes below 0.00001.
gnomAD v4.1: 1 of 1,613,972 alleles (0.000062%); highest among the groups gnomAD compares: Admixed American, 0.0017%; no homozygotes.

Submissions (3):

Women's Health and Genetics/Laboratory Corporation of America, LabCorp
Classification: Uncertain significance. Last evaluated: 2026-03-03. Review status: criteria provided, single submitter. Criteria: LabCorp Variant Classification Summary - May 2015. Collection method: clinical testing. Allele origin: germline.

University of Washington Department of Laboratory Medicine, University of Washington
Classification: Likely benign for Hereditary cancer-predisposing syndrome. Last evaluated: 2023-03-23. Review status: criteria provided, single submitter. Criteria: Dines et al. (Genet Med. 2020). Collection method: curation. Allele origin: germline.
Comment: Missense variant in a coldspot region where missense variants are very unlikely to be pathogenic (PMID:31911673).

BRCA2 exon 11 coldspot. Reclassification based on statistical prior probability.

Ambry Genetics
Classification: Uncertain significance for Hereditary cancer-predisposing syndrome. Last evaluated: 2017-07-12. Review status: criteria provided, single submitter. Criteria: Ambry Variant Classification Scheme 2023. Collection method: clinical testing. Allele origin: germline.
Comment: The p.C1958Y variant (also known as c.5873G>A), located in coding exon 10 of the BRCA2 gene, results from a G to A substitution at nucleotide position 5873. The cysteine at codon 1958 is replaced by tyrosine, an amino acid with highly dissimilar properties. This amino acid position is not well conserved in available vertebrate species. In addition, this alteration is predicted to be tolerated by in silico analysis. Since supporting evidence is limited at this time, the clinical significance of this alteration remains unclear.